The following is an entry in ClinVar:

ClinVar aggregate classification (germline): Uncertain significance. Review status: criteria provided, multiple submitters, no conflicts (2 of 4 stars). 2 submissions from 2 submitters: Uncertain significance (2). Last evaluated 2022-11-17.

Conditions:
Catecholaminergic polymorphic ventricular tachycardia 1. Also called: VENTRICULAR TACHYCARDIA, CATECHOLAMINERGIC POLYMORPHIC, 1, WITH OR WITHOUT ATRIAL DYSFUNCTION AND/OR DILATED CARDIOMYOPATHY; VENTRICULAR TACHYCARDIA, STRESS-INDUCED POLYMORPHIC 1; RYR2-Related Catecholaminergic Polymorphic Ventricular Tachycardia. Identifiers: Orphanet 3286, MedGen C1631597, MONDO:0011484, OMIM 604772.
Cardiovascular phenotype. Identifiers: MedGen CN230736.

Submissions (2):

Labcorp Genetics (formerly Invitae), Labcorp
Classification: Uncertain significance for Catecholaminergic polymorphic ventricular tachycardia 1. Last evaluated: 2022-11-17. Review status: criteria provided, single submitter. Criteria: Invitae Variant Classification Sherloc (09022015). Collection method: clinical testing. Allele origin: germline.
Comment: This variant is not present in population databases (gnomAD no frequency). This sequence change replaces lysine, which is basic and polar, with glutamine, which is neutral and polar, at codon 2643 of the RYR2 protein (p.Lys2643Gln). This variant has not been reported in the literature in individuals affected with RYR2-related conditions. In summary, the available evidence is currently insufficient to determine the role of this variant in disease. Therefore, it has been classified as a Variant of Uncertain Significance. Algorithms developed to predict the effect of missense changes on protein structure and function (SIFT, PolyPhen-2, Align-GVGD) all suggest that this variant is likely to be disruptive.

Ambry Genetics
Classification: Uncertain significance for Cardiovascular phenotype. Last evaluated: 2021-08-26. Review status: criteria provided, single submitter. Criteria: Ambry Variant Classification Scheme 2023. Collection method: clinical testing. Allele origin: germline.
Comment: The p.K2643Q variant (also known as c.7927A>C), located in coding exon 52 of the RYR2 gene, results from an A to C substitution at nucleotide position 7927. The lysine at codon 2643 is replaced by glutamine, an amino acid with similar properties. This amino acid position is highly conserved in available vertebrate species. In addition, the in silico prediction for this alteration is inconclusive. Since supporting evidence is limited at this time, the clinical significance of this alteration remains unclear.

NM_001035.3(RYR2):c.7927A>C (p.Lys2643Gln)

Gene: RYR2 (ryanodine receptor 2; plus strand). Cytogenetic location: 1q43.
Variant type: single nucleotide variant.
Coding change: c.7927A>C on transcript NM_001035.3 (MANE Select); coding-DNA position 7927, A replaced by C.
Protein change: p.Lys2643Gln; replaces lysine 2643 with glutamine.
Molecular consequence: missense variant.
Genome position (GRCh38, 1-based): chr1:237,654,376, A>C. VCF-style: chr1-237654376-A-C. GRCh37 (hg19) VCF-style: chr1-237817676-A-C.
Other names: short protein forms K2643Q.
Identifiers: ClinVar variation 1761250 (VCV001761250.5), dbSNP rs2547070875, ClinGen allele CA345400438.